The following is an entry in ClinVar:

ClinVar aggregate classification (germline): Uncertain significance. Review status: criteria provided, multiple submitters, no conflicts (2 of 4 stars). 3 submissions from 3 submitters: Uncertain significance (3). Last evaluated 2024-12-07.

Conditions:
Inborn genetic diseases. Identifiers: MedGen C0950123, MeSH D030342.

gnomAD v4.1: 35 of 1,613,068 alleles (0.0022%); highest among the groups gnomAD compares: East Asian, 0.0045%; no homozygotes.

Submissions (3):

Labcorp Genetics (formerly Invitae), Labcorp
Classification: Uncertain significance. Last evaluated: 2024-12-07. Review status: criteria provided, single submitter. Criteria: Invitae Variant Classification Sherloc (09022015). Collection method: clinical testing. Allele origin: germline.
Comment: This sequence change replaces arginine, which is basic and polar, with glutamine, which is neutral and polar, at codon 3191 of the DCHS1 protein (p.Arg3191Gln). This variant is present in population databases (rs759274363, gnomAD 0.03%). This variant has not been reported in the literature in individuals affected with DCHS1-related conditions. Invitae Evidence Modeling of protein sequence and biophysical properties (such as structural, functional, and spatial information, amino acid conservation, physicochemical variation, residue mobility, and thermodynamic stability) indicates that this missense variant is not expected to disrupt DCHS1 protein function with a negative predictive value of 95%. In summary, the available evidence is currently insufficient to determine the role of this variant in disease. Therefore, it has been classified as a Variant of Uncertain Significance.

Ambry Genetics
Classification: Uncertain significance for Inborn genetic diseases. Last evaluated: 2024-10-29. Review status: criteria provided, single submitter. Criteria: Ambry Variant Classification Scheme 2023. Collection method: clinical testing. Allele origin: germline.

Blueprint Genetics
Classification: Uncertain significance. Last evaluated: 2021-02-03. Review status: criteria provided, single submitter. Criteria: ACMG Guidelines, 2015. Collection method: clinical testing. Allele origin: germline.

NM_003737.4(DCHS1):c.9572G>A (p.Arg3191Gln)

Gene: DCHS1 (dachsous cadherin-related 1; minus strand). Cytogenetic location: 11p15.4.
Variant type: single nucleotide variant.
Coding change: c.9572G>A on transcript NM_003737.4 (MANE Select); coding-DNA position 9572, G replaced by A.
Protein change: p.Arg3191Gln; replaces arginine 3191 with glutamine.
Molecular consequence: missense variant.
Genome position (GRCh38, 1-based): chr11:6,622,104, C>T on the plus strand (G>A on the coding strand, the complement: DCHS1 is on the minus strand). VCF-style: chr11-6622104-C-T. GRCh37 (hg19) VCF-style: chr11-6643335-C-T.
Other names: short protein forms R3191Q.
Identifiers: ClinVar variation 3500021 (VCV003500021.4).